The following is an entry in ClinVar:

NM_006269.2(RP1):c.1980T>A (p.Asn660Lys)

Gene: RP1 (RP1 axonemal microtubule associated; plus strand). Cytogenetic location: 8q12.1.
Variant type: single nucleotide variant.
Coding change: c.1980T>A on transcript NM_006269.2 (MANE Select); coding-DNA position 1980, T replaced by A.
Protein change: p.Asn660Lys; replaces asparagine 660 with lysine.
Molecular consequence: missense variant.
Genome position (GRCh38, 1-based): chr8:54,625,862, T>A. VCF-style: chr8-54625862-T-A. GRCh37 (hg19) VCF-style: chr8-55538422-T-A.
Other names: short protein forms N660K.
Identifiers: ClinVar variation 363281 (VCV000363281.12), dbSNP rs886062990, ClinGen allele CA10631274.

ClinVar aggregate classification (germline): Uncertain significance. Review status: criteria provided, multiple submitters, no conflicts (2 of 4 stars). 6 submissions from 6 submitters: Uncertain significance (4). 2 of the submissions do not count toward it. Last evaluated 2025-05-31.

Conditions:
RP1-related disorder. Also called: RP1-related condition.
Inborn genetic diseases. Identifiers: MedGen C0950123, MeSH D030342.
Retinitis pigmentosa (RP). Identifiers: Orphanet 791, MedGen C0035334, MeSH D012174, MONDO:0019200, OMIM 268000. Inheritance: Autosomal dominant, autosomal recessive and X linked inheritance.

Allele frequency attached by ClinVar (database versions not stated): TOPMed 0.00002; gnomAD exomes 0.00003; gnomAD 0.00005.
gnomAD v4.1: 48 of 1,613,412 alleles (0.003%); highest among the groups gnomAD compares: Non-Finnish European, 0.004%; no homozygotes.

Submissions (6):

PreventionGenetics, part of Exact Sciences
Classification: Uncertain significance for RP1-related condition. Last evaluated: 2025-05-31. Review status: criteria provided, single submitter. Criteria: ACMG Guidelines, 2015. Collection method: clinical testing. Allele origin: germline.
Comment: The RP1 c.1980T>A variant is predicted to result in the amino acid substitution p.Asn660Lys. To our knowledge, this variant has not been reported in the literature. This variant is present in 0.0071% of alleles in individuals of European (Non-Finnish) descent in gnomAD. At this time, the clinical significance of this variant is uncertain due to the absence of conclusive functional and genetic evidence.

Blueprint Genetics
Classification: Uncertain significance. Last evaluated: 2024-08-14. Review status: criteria provided, single submitter. Criteria: ACMG Guidelines, 2015. Collection method: clinical testing. Allele origin: germline.

Ambry Genetics
Classification: Uncertain significance for Inborn genetic diseases. Last evaluated: 2021-07-06. Review status: criteria provided, single submitter. Criteria: Ambry Variant Classification Scheme 2023. Collection method: clinical testing. Allele origin: germline.

Illumina Laboratory Services, Illumina
Classification: Uncertain significance for Retinitis pigmentosa. Last evaluated: 2018-01-13. Review status: criteria provided, single submitter. Criteria: ICSL Variant Classification Criteria 13 December 2019. Collection method: clinical testing. Allele origin: germline.

Clinical Genetics DNA and cytogenetics Diagnostics Lab, Erasmus MC, Erasmus Medical Center
Classification: Uncertain significance. Review status: no assertion criteria provided. Collection method: clinical testing. Allele origin: germline. Affected: yes. Study: VKGL Data-share Consensus. Not counted in ClinVar's aggregate classification.

Clinical Genetics, Academic Medical Center
Classification: Uncertain significance. Review status: no assertion criteria provided. Collection method: clinical testing. Allele origin: germline. Affected: yes. Study: VKGL Data-share Consensus. Not counted in ClinVar's aggregate classification.